The following is an entry in ClinVar:

NM_003380.5(VIM):c.1115T>C (p.Met372Thr)

Gene: VIM (vimentin; plus strand). Cytogenetic location: 10p13.
Variant type: single nucleotide variant.
Coding change: c.1115T>C on transcript NM_003380.5 (MANE Select); coding-DNA position 1115, T replaced by C.
Protein change: p.Met372Thr; replaces methionine 372 with threonine.
Molecular consequence: missense variant.
Genome position (GRCh38, 1-based): chr10:17,235,275, T>C. VCF-style: chr10-17235275-T-C. GRCh37 (hg19) VCF-style: chr10-17277274-T-C.
Other names: short protein forms M372T.
Identifiers: ClinVar variation 4745556 (VCV004745556.1).

ClinVar aggregate classification (germline): Uncertain significance (1 of 4 stars; one submission).

Conditions:
Cataract 30 (CTRCT30). Also called: CATARACT 30, PULVERULENT. Identifiers: Orphanet 91492, Orphanet 98984, Orphanet 98992, MedGen C3805411, MONDO:0007286, OMIM 116300.

gnomAD v4.1: 9 of 1,614,088 alleles (0.00056%); highest among the groups gnomAD compares: Non-Finnish European, 0.00076%; no homozygotes.

Submission:

Labcorp Genetics (formerly Invitae), Labcorp
Classification: Uncertain significance for Cataract 30. Last evaluated: 2025-03-29. Review status: criteria provided, single submitter. Criteria: Invitae Variant Classification Sherloc (09022015). Collection method: clinical testing. Allele origin: germline.
Comment: This sequence change replaces methionine, which is neutral and non-polar, with threonine, which is neutral and polar, at codon 372 of the VIM protein (p.Met372Thr). This variant is not present in population databases (gnomAD no frequency). This variant has not been reported in the literature in individuals affected with VIM-related conditions. Invitae Evidence Modeling of protein sequence and biophysical properties (such as structural, functional, and spatial information, amino acid conservation, physicochemical variation, residue mobility, and thermodynamic stability) indicates that this missense variant is not expected to disrupt VIM protein function with a negative predictive value of 80%. In summary, the available evidence is currently insufficient to determine the role of this variant in disease. Therefore, it has been classified as a Variant of Uncertain Significance.